The following is an entry in ClinVar:

ClinVar aggregate classification (germline): Benign. Review status: criteria provided, multiple submitters, no conflicts (2 of 4 stars). 7 submissions from 7 submitters: Benign (7). Last evaluated 2026-02-04.

Conditions:
Cardiovascular phenotype. Identifiers: MedGen CN230736.

Allele frequency attached by ClinVar (database versions not stated): 1000 Genomes Project 30x 0.35728; 1000 Genomes Project 0.35883; ESP Exome Variant Server 0.35941; gnomAD 0.36845 and 0.36971; TOPMed 0.37080; ExAC 0.38724; gnomAD exomes 0.40322 and 0.43008.
gnomAD v4.1: 657,303 of 1,550,820 alleles (42%); highest among the groups gnomAD compares: Non-Finnish European, 45%; 142,032 homozygotes.

Submissions (7):

Labcorp Genetics (formerly Invitae), Labcorp
Classification: Benign. Last evaluated: 2026-02-04. Review status: criteria provided, single submitter. Criteria: Invitae Variant Classification Sherloc (09022015). Collection method: clinical testing. Allele origin: germline.

Molecular Diagnostic Laboratory for Inherited Cardiovascular Disease, Montreal Heart Institute
Classification: Benign. Last evaluated: 2025-04-09. Review status: criteria provided, single submitter. Criteria: ACMG Guidelines, 2015. Collection method: clinical testing. Allele origin: germline. Affected: no.
Comment: BA1;BP7

Blueprint Genetics
Classification: Benign. Last evaluated: 2024-11-27. Review status: criteria provided, single submitter. Criteria: ACMG Guidelines, 2015. Collection method: clinical testing. Allele origin: germline.

Mayo Clinic Laboratories, Mayo Clinic
Classification: Benign. Last evaluated: 2024-03-26. Review status: criteria provided, single submitter. Criteria: ACMG Guidelines, 2015. Collection method: clinical testing. Allele origin: germline. Observed: 81 variant alleles.
Comment: BA1, BP4, BP7

Ambry Genetics
Classification: Benign for Cardiovascular phenotype. Last evaluated: 2018-12-03. Review status: criteria provided, single submitter. Criteria: Ambry Variant Classification Scheme 2023. Collection method: clinical testing. Allele origin: germline.

GeneDx
Classification: Benign. Last evaluated: 2018-08-30. Review status: criteria provided, single submitter. Criteria: GeneDx Variant Classification Process June 2021. Collection method: clinical testing. Allele origin: germline. Affected: yes.

Breakthrough Genomics
Classification: Benign. Review status: criteria provided, single submitter. Criteria: ACMG Guidelines, 2015. Collection method: not provided. Allele origin: germline. Inheritance: Autosomal recessive inheritance. Affected: yes.

NM_178172.6(GPIHBP1):c.138G>T (p.Val46=)

Gene: GPIHBP1 (glycosylphosphatidylinositol anchored high density lipoprotein binding protein 1; plus strand). Cytogenetic location: 8q24.3.
Variant type: single nucleotide variant.
Coding change: c.138G>T on transcript NM_178172.6 (MANE Select); coding-DNA position 138, G replaced by T.
Protein change: p.Val46=; no amino-acid change (valine 46 retained).
Molecular consequence: synonymous variant.
Genome position (GRCh38, 1-based): chr8:143,213,907, G>T. VCF-style: chr8-143213907-G-T. GRCh37 (hg19) VCF-style: chr8-144295782-G-T.
Other names: p.Val46=; c.138G>T, p.Val46= (NM_001301772.2).
Identifiers: ClinVar variation 1287349 (VCV001287349.15), dbSNP rs11538388, ClinGen allele CA4907027.
Genomic context (GRCh38, chr8:143,213,907, plus strand): 5'-AGAGGAAGAGGACGAGGACCACGGGCCAGATGACTACGACGAGGAAGATGAGGATGAGGT[G>T]GAAGAGGAGGAGACCAACAGGCTCCCTGGTGGCAGGAGCAGAGGTATGGCCGCCCCAACC-3'
Protein context (NP_835466.2, residues 36-56): DDYDEEDEDE[Val46=]EEEETNRLPG